The following is an entry in ClinVar:

NM_001013703.4(EIF2AK4):c.595-132A>G

Gene: EIF2AK4 (eukaryotic translation initiation factor 2 alpha kinase 4; plus strand). Cytogenetic location: 15q15.1.
Variant type: single nucleotide variant.
Coding change: c.595-132A>G on transcript NM_001013703.4 (MANE Select); 132 bases into the intron before coding-DNA position 595, A replaced by G.
Molecular consequence: intron variant.
Genome position (GRCh38, 1-based): chr15:39,955,488, A>G. VCF-style: chr15-39955488-A-G. GRCh37 (hg19) VCF-style: chr15-40247689-A-G.
Identifiers: ClinVar variation 674638 (VCV000674638.1), dbSNP rs503830, ClinGen allele CA14183323.

ClinVar aggregate classification (germline): Benign (1 of 4 stars; one submission).

Allele frequency attached by ClinVar (database versions not stated): gnomAD exomes 0.63844; gnomAD 0.72298 and 0.72908; TOPMed 0.74947; 1000 Genomes Project 30x 0.86446; 1000 Genomes Project 0.86581.
gnomAD v4.1: 553,466 of 843,468 alleles (66%); highest among the groups gnomAD compares: East Asian, 100%; 189,710 homozygotes.

Submission:

GeneDx
Classification: Benign. Last evaluated: 2018-06-14. Review status: criteria provided, single submitter. Criteria: GeneDx Variant Classification (06012015). Collection method: clinical testing. Allele origin: germline. Affected: yes.
Comment: This variant is considered likely benign or benign based on one or more of the following criteria: it is a conservative change, it occurs at a poorly conserved position in the protein, it is predicted to be benign by multiple in silico algorithms, and/or has population frequency not consistent with disease.